The following is an entry in ClinVar:

NM_018941.4(CLN8):c.289C>A (p.Arg97Ser)

Gene: CLN8 (CLN8 transmembrane ER and ERGIC protein; plus strand). Cytogenetic location: 8p23.3.
Variant type: single nucleotide variant.
Coding change: c.289C>A on transcript NM_018941.4 (MANE Select); coding-DNA position 289, C replaced by A.
Protein change: p.Arg97Ser; replaces arginine 97 with serine.
Molecular consequence: missense variant.
Genome position (GRCh38, 1-based): chr8:1,771,343, C>A. VCF-style: chr8-1771343-C-A. GRCh37 (hg19) VCF-style: chr8-1719509-C-A.
Other names: short protein forms R97S.
Identifiers: ClinVar variation 3716832 (VCV003716832.2).

ClinVar aggregate classification (germline): Uncertain significance (1 of 4 stars; one submission).

Conditions:
Neuronal ceroid lipofuscinosis. Also called: Neuronal Ceroid Lipofuscinoses. Identifiers: Orphanet 216, Orphanet 79263, MedGen C0027877, MONDO:0016295. Disease mechanism: loss of function.

Submission:

Labcorp Genetics (formerly Invitae), Labcorp
Classification: Uncertain significance for Neuronal ceroid lipofuscinosis. Last evaluated: 2025-02-17. Review status: criteria provided, single submitter. Criteria: Invitae Variant Classification Sherloc (09022015). Collection method: clinical testing. Allele origin: germline.
Comment: This sequence change replaces arginine, which is basic and polar, with serine, which is neutral and polar, at codon 97 of the CLN8 protein (p.Arg97Ser). This variant is not present in population databases (gnomAD no frequency). This variant has not been reported in the literature in individuals affected with CLN8-related conditions. Invitae Evidence Modeling of protein sequence and biophysical properties (such as structural, functional, and spatial information, amino acid conservation, physicochemical variation, residue mobility, and thermodynamic stability) indicates that this missense variant is not expected to disrupt CLN8 protein function with a negative predictive value of 95%. In summary, the available evidence is currently insufficient to determine the role of this variant in disease. Therefore, it has been classified as a Variant of Uncertain Significance.